The following is an entry in ClinVar:

NM_199355.4(ADAMTS18):c.689G>A (p.Ser230Asn)

Gene: ADAMTS18 (ADAM metallopeptidase with thrombospondin type 1 motif 18; minus strand). Cytogenetic location: 16q23.1.
Variant type: single nucleotide variant.
Coding change: c.689G>A on transcript NM_199355.4 (MANE Select); coding-DNA position 689, G replaced by A.
Protein change: p.Ser230Asn; replaces serine 230 with asparagine.
Molecular consequence: missense variant.
Genome position (GRCh38, 1-based): chr16:77,367,530, C>T on the plus strand (G>A on the coding strand, the complement: ADAMTS18 is on the minus strand). VCF-style: chr16-77367530-C-T. GRCh37 (hg19) VCF-style: chr16-77401427-C-T.
Other names: c.169G>A, p.Val57Ile (NM_001326358.2); short protein forms S230N, V57I.
Identifiers: ClinVar variation 1951620 (VCV001951620.5), dbSNP rs1182478063, ClinGen allele CA396824054.

ClinVar aggregate classification (germline): Uncertain significance (1 of 4 stars; one submission).

gnomAD v4.1: 2 of 1,614,232 alleles (0.00012%); highest among the groups gnomAD compares: South Asian, 0.0022%; no homozygotes.

Submission:

Labcorp Genetics (formerly Invitae), Labcorp
Classification: Uncertain significance. Last evaluated: 2022-02-19. Review status: criteria provided, single submitter. Criteria: Invitae Variant Classification Sherloc (09022015). Collection method: clinical testing. Allele origin: germline.
Comment: In summary, the available evidence is currently insufficient to determine the role of this variant in disease. Therefore, it has been classified as a Variant of Uncertain Significance. Algorithms developed to predict the effect of missense changes on protein structure and function are either unavailable or do not agree on the potential impact of this missense change (SIFT: "Not Available"; PolyPhen-2: "Benign"; Align-GVGD: "Not Available"). This variant has not been reported in the literature in individuals affected with ADAMTS18-related conditions. This variant is present in population databases (no rsID available, gnomAD 0.003%). This sequence change replaces serine, which is neutral and polar, with asparagine, which is neutral and polar, at codon 230 of the ADAMTS18 protein (p.Ser230Asn).